The following is an entry in ClinVar:

NM_005996.4(TBX3):c.389+1G>T

Genes: TBX3 (T-box transcription factor 3; minus strand), TBX3-AS1 (TBX3 antisense RNA 1; plus strand). Cytogenetic location: 12q24.21.
Variant type: single nucleotide variant.
Coding change: c.389+1G>T on transcript NM_005996.4 (MANE Select); the canonical splice donor site of the intron after coding-DNA position 389, G replaced by T.
Molecular consequence: splice donor variant.
Genome position (GRCh38, 1-based): chr12:114,682,811, C>A on the plus strand (G>T on the coding strand, the complement: TBX3 is on the minus strand). VCF-style: chr12-114682811-C-A. GRCh37 (hg19) VCF-style: chr12-115120616-C-A.
Other names: c.389+1G>T (NM_016569.4).
Identifiers: ClinVar variation 3382904 (VCV003382904.2).
Genomic context (GRCh38, chr12:114,682,811, plus strand): 5'-GAGAAATAAAGGGAGGAAAAAACTCTCCAACAGCTTAGGGGAGGAGGCCCCCACTGCTTA[C>A]CTTCCCGACTTGGTAATGACCATCTCGGTGCCCCGCTTGTGAAACTGATCCCAAAGTTCT-3'

ClinVar aggregate classification (germline): Likely pathogenic (1 of 4 stars; one submission).

Conditions:
Ulnar-mammary syndrome (UMS). Also called: SCHINZEL SYNDROME; Ulnar-mammary syndrome of Pallister; PALLISTER ULNAR-MAMMARY SYNDROME. Identifiers: Orphanet 3138, MedGen C1866994, MONDO:0008411, OMIM 181450.

Submission:

Juno Genomics, Hangzhou Juno Genomics, Inc
Classification: Likely pathogenic for Ulnar-mammary syndrome. Review status: criteria provided, single submitter. Criteria: ACMG Guidelines, 2015. Collection method: clinical testing. Allele origin: germline. Affected: yes.
Comment: Null variant in a gene where loss of function (LOF) is a known mechanism of disease.;Absent from controls (or at extremely low frequency if recessive) in Genome Aggregation Database, Exome Sequencing Project, 1000 Genomes Project, or Exome Aggregation Consortium.